The following is an entry in ClinVar:

NM_001386795.1(DTNA):c.1971T>A (p.Ser657=)

Gene: DTNA (dystrobrevin alpha; plus strand). Cytogenetic location: 18q12.1.
Variant type: single nucleotide variant.
Coding change: c.1971T>A on transcript NM_001386795.1 (MANE Select); coding-DNA position 1971, T replaced by A.
Protein change: p.Ser657=; no amino-acid change (serine 657 retained).
Molecular consequence: synonymous variant.
Genome position (GRCh38, 1-based): chr18:34,877,786, T>A. VCF-style: chr18-34877786-T-A. GRCh37 (hg19) VCF-style: chr18-32457750-T-A.
Other names: c.1710T>A, p.Ser570= (NM_001198938.2, NM_001198940.2, NM_001386753.1 and 5 more transcripts); c.1731T>A, p.Ser577= (NM_001198939.2); c.1017T>A, p.Ser339= (NM_001198942.1); c.960T>A, p.Ser320= (NM_001198943.1); c.846T>A, p.Ser282= (NM_001198944.1); c.1800T>A, p.Ser600= (NM_001386754.1, NM_001386755.1, NM_001386756.1 and 3 more transcripts); c.1797T>A, p.Ser599= (NM_001386760.1); c.1719T>A, p.Ser573= (NM_001386761.1, NM_032975.4); and 5 more.
Identifiers: ClinVar variation 1954824 (VCV001954824.6), dbSNP rs199855849, ClinGen allele CA8935891.
Genomic context (GRCh38, chr18:34,877,786, plus strand): 5'-AAGAAACTTAAGGAATGACTTGCTAGTGGCTGCAGATTCCATCACTAACACTATGTCCTC[T>A]CTTGTGAAAGAGCTGAATTCTGGTGAGTTCCTGATTCCCTCTCATTTGTCTGCTCATCAT-3'
Protein context (NP_001373724.1, residues 647-667): AADSITNTMS[Ser657=]LVKELNSEVG

ClinVar aggregate classification (germline): Likely benign. Review status: criteria provided, multiple submitters, no conflicts (2 of 4 stars). 2 submissions from 2 submitters: Likely benign (2). Last evaluated 2024-04-09.

Conditions:
Left ventricular noncompaction 1 (LVNC1). Also called: LEFT VENTRICULAR NONCOMPACTION 1 WITH OR WITHOUT CONGENITAL HEART DEFECTS. Identifiers: Orphanet 54260, MedGen C1858725, MONDO:0011403, OMIM 604169.

Allele frequency attached by ClinVar (database versions not stated): gnomAD 0.00001.
gnomAD v4.1: 4 of 1,613,828 alleles (0.00025%); highest among the groups gnomAD compares: Non-Finnish European, 0.00034%; no homozygotes.

Submissions (2):

Labcorp Genetics (formerly Invitae), Labcorp
Classification: Likely benign for Left ventricular noncompaction 1. Last evaluated: 2024-04-09. Review status: criteria provided, single submitter. Criteria: Invitae Variant Classification Sherloc (09022015). Collection method: clinical testing. Allele origin: germline.

Laboratory for Molecular Medicine, Mass General Brigham Personalized Medicine
Classification: Likely benign. Last evaluated: 2019-02-22. Review status: criteria provided, single submitter. Criteria: ACMG Guidelines, 2015. Collection method: clinical testing. Allele origin: germline.
Comment: The p.Ser573Ser variant in DTNA is classified as likely benign because it does not alter an amino acid residue, it is not located within the splice consensus sequence, and splice prediction algorithms do not predict a newly created splice site. ACMG/AMP Criteria applied: BP4, BP7.